The following is an entry in ClinVar:

ClinVar aggregate classification (germline): Likely benign (1 of 4 stars; one submission).

Allele frequency attached by ClinVar (database versions not stated): gnomAD exomes below 0.00001.
gnomAD v4.1: 1 of 1,613,690 alleles (0.000062%); highest among the groups gnomAD compares: Admixed American, 0.0017%; no homozygotes.

Submission:

CeGaT Center for Human Genetics Tuebingen
Classification: Likely benign. Last evaluated: 2023-08-01. Review status: criteria provided, single submitter. Criteria: CeGaT Center For Human Genetics Tuebingen Variant Classification Criteria Version 2. Collection method: clinical testing. Allele origin: germline. Affected: yes. Observed: 1 variant allele.
Comment: MYCBP2: BP4, BP7

NM_015057.5(MYCBP2):c.831T>G (p.Leu277=)

Gene: MYCBP2 (MYC binding protein 2; minus strand). Cytogenetic location: 13q22.3.
Variant type: single nucleotide variant.
Coding change: c.831T>G on transcript NM_015057.5 (MANE Select); coding-DNA position 831, T replaced by G.
Protein change: p.Leu277=; no amino-acid change (leucine 277 retained).
Molecular consequence: synonymous variant.
Genome position (GRCh38, 1-based): chr13:77,273,586, A>C on the plus strand (T>G on the coding strand, the complement: MYCBP2 is on the minus strand). VCF-style: chr13-77273586-A-C. GRCh37 (hg19) VCF-style: chr13-77847721-A-C.
Identifiers: ClinVar variation 2643861 (VCV002643861.24), dbSNP rs1567122245, ClinGen allele CA484349365.